The following is an entry in ClinVar:

NM_000548.5(TSC2):c.2359G>A (p.Glu787Lys)

Gene: TSC2 (TSC complex subunit 2; plus strand). Cytogenetic location: 16p13.3.
Variant type: single nucleotide variant.
Coding change: c.2359G>A on transcript NM_000548.5 (MANE Select); coding-DNA position 2359, G replaced by A.
Protein change: p.Glu787Lys; replaces glutamic acid 787 with lysine.
Molecular consequence: missense variant.
Genome position (GRCh38, 1-based): chr16:2,074,203, G>A. VCF-style: chr16-2074203-G-A. GRCh37 (hg19) VCF-style: chr16-2124204-G-A.
Other names: c.2359G>A, p.Glu787Lys (NM_001077183.3, NM_001114382.3, NM_001363528.2 and 3 more transcripts); c.2248G>A, p.Glu750Lys (NM_001318827.2); c.2212G>A, p.Glu738Lys (NM_001318829.2); c.1759G>A, p.Glu587Lys (NM_001318831.2); c.2392G>A, p.Glu798Lys (NM_001318832.2); short protein forms E587K, E738K, E750K, E798K, E787K.
Identifiers: ClinVar variation 648606 (VCV000648606.17), dbSNP rs45517231, ClinGen allele CA394276933.

ClinVar aggregate classification (germline): Uncertain significance. Review status: criteria provided, multiple submitters, no conflicts (2 of 4 stars). 4 submissions from 4 submitters: Uncertain significance (4). Last evaluated 2025-09-14.

Conditions:
Hereditary cancer-predisposing syndrome. Also called: Hereditary Cancer Syndrome; Tumor predisposition; Neoplastic Syndromes, Hereditary; Hereditary neoplastic syndrome. Identifiers: Orphanet 140162, MedGen C0027672, MeSH D009386, MONDO:0015356.
Tuberous sclerosis 2 (TSC2). Identifiers: Orphanet 805, MedGen C1860707, MONDO:0013199, OMIM 613254.

Allele frequency attached by ClinVar (database versions not stated): gnomAD exomes below 0.00001.
gnomAD v4.1: 2 of 1,611,246 alleles (0.00012%); highest among the groups gnomAD compares: East Asian, 0.0022%; no homozygotes.

Submissions (4):

Ambry Genetics
Classification: Uncertain significance for Hereditary cancer-predisposing syndrome. Last evaluated: 2025-09-14. Review status: criteria provided, single submitter. Criteria: Ambry Variant Classification Scheme 2023. Collection method: clinical testing. Allele origin: germline.
Comment: The p.E787K variant (also known as c.2359G>A), located in coding exon 21 of the TSC2 gene, results from a G to A substitution at nucleotide position 2359. The glutamic acid at codon 787 is replaced by lysine, an amino acid with similar properties. This amino acid position is conserved. In addition, this alteration is predicted to be deleterious by in silico analysis. Since supporting evidence is limited at this time, the clinical significance of this alteration remains unclear.

Labcorp Genetics (formerly Invitae), Labcorp
Classification: Uncertain significance for Tuberous sclerosis 2. Last evaluated: 2024-10-22. Review status: criteria provided, single submitter. Criteria: Invitae Variant Classification Sherloc (09022015). Collection method: clinical testing. Allele origin: germline.
Comment: This sequence change replaces glutamic acid, which is acidic and polar, with lysine, which is basic and polar, at codon 787 of the TSC2 protein (p.Glu787Lys). This variant is not present in population databases (gnomAD no frequency). This variant has not been reported in the literature in individuals affected with TSC2-related conditions. ClinVar contains an entry for this variant (Variation ID: 648606). Invitae Evidence Modeling of protein sequence and biophysical properties (such as structural, functional, and spatial information, amino acid conservation, physicochemical variation, residue mobility, and thermodynamic stability) indicates that this missense variant is not expected to disrupt TSC2 protein function with a negative predictive value of 95%. In summary, the available evidence is currently insufficient to determine the role of this variant in disease. Therefore, it has been classified as a Variant of Uncertain Significance.

Genome-Nilou Lab
Classification: Uncertain significance for Tuberous sclerosis 2. Last evaluated: 2021-11-07. Review status: criteria provided, single submitter. Criteria: ACMG Guidelines, 2015. Collection method: clinical testing. Allele origin: germline. Affected: no.

GeneDx
Classification: Uncertain significance. Last evaluated: 2019-11-15. Review status: criteria provided, single submitter. Criteria: GeneDx Variant Classification Process June 2021. Collection method: clinical testing. Allele origin: germline. Affected: yes.
Comment: Has not been previously published as pathogenic or benign to our knowledge; In silico analysis, which includes protein predictors and evolutionary conservation, supports that this variant does not alter protein structure/function; Not observed in large population cohorts (Lek 2016)